The following is an entry in ClinVar:

ClinVar aggregate classification (germline): Uncertain significance (1 of 4 stars; one submission).

Conditions:
Nemaline myopathy 8 (NEM8). Also called: Nemaline myopathy 8, autosomal recessive. Identifiers: Orphanet 171430, MedGen C3809209, MONDO:0014138, OMIM 615348.

Allele frequency attached by ClinVar (database versions not stated): ExAC 0.00002; TOPMed 0.00002.

Submission:

Labcorp Genetics (formerly Invitae), Labcorp
Classification: Uncertain significance for Nemaline myopathy 8. Last evaluated: 2025-11-10. Review status: criteria provided, single submitter. Criteria: Invitae Variant Classification Sherloc (09022015). Collection method: clinical testing. Allele origin: germline.
Comment: This sequence change replaces arginine, which is basic and polar, with tryptophan, which is neutral and slightly polar, at codon 612 of the KLHL40 protein (p.Arg612Trp). This variant is present in population databases (rs772187214, gnomAD 0.004%). This variant has not been reported in the literature in individuals affected with KLHL40-related conditions. ClinVar contains an entry for this variant (Variation ID: 2157953). Invitae Evidence Modeling of protein sequence and biophysical properties (such as structural, functional, and spatial information, amino acid conservation, physicochemical variation, residue mobility, and thermodynamic stability) indicates that this missense variant is not expected to disrupt KLHL40 protein function with a negative predictive value of 80%. In summary, the available evidence is currently insufficient to determine the role of this variant in disease. Therefore, it has been classified as a Variant of Uncertain Significance.

NM_152393.4(KLHL40):c.1834C>T (p.Arg612Trp)

Gene: KLHL40 (kelch like family member 40; plus strand). Cytogenetic location: 3p22.1.
Variant type: single nucleotide variant.
Coding change: c.1834C>T on transcript NM_152393.4 (MANE Select); coding-DNA position 1834, C replaced by T.
Protein change: p.Arg612Trp; replaces arginine 612 with tryptophan.
Molecular consequence: missense variant.
Genome position (GRCh38, 1-based): chr3:42,691,961, C>T. VCF-style: chr3-42691961-C-T. GRCh37 (hg19) VCF-style: chr3-42733453-C-T.
Other names: short protein forms R612W.
Identifiers: ClinVar variation 2157953 (VCV002157953.3), dbSNP rs772187214, ClinGen allele CA2337112.
Genomic context (GRCh38, chr3:42,691,961, plus strand): 5'-AAATGGGAGGGTGTCCTGCGGGAGATCGCCTATGCAGCAGGTGCCACCTTCCTACCAGTG[C>T]GGCTCAATGTGCTGTGCCTGACTAAGATGTGACCAGCTCAGGCAGACTGAACTAAGCACC-3'
Protein context (NP_689606.2, residues 602-621): YAAGATFLPV[Arg612Trp]LNVLCLTKM